The following is an entry in ClinVar:

ClinVar aggregate classification (germline): Uncertain significance. Review status: criteria provided, multiple submitters, no conflicts (2 of 4 stars). 2 submissions from 2 submitters: Uncertain significance (2). Last evaluated 2025-10-21.

Allele frequency attached by ClinVar (database versions not stated): gnomAD exomes below 0.00001.

Submissions (2):

Labcorp Genetics (formerly Invitae), Labcorp
Classification: Uncertain significance. Last evaluated: 2025-10-21. Review status: criteria provided, single submitter. Criteria: Invitae Variant Classification Sherloc (09022015). Collection method: clinical testing. Allele origin: germline.
Comment: This sequence change replaces methionine, which is neutral and non-polar, with threonine, which is neutral and polar, at codon 106 of the ATPAF2 protein (p.Met106Thr). This variant is present in population databases (no rsID available, gnomAD 0.003%). This variant has not been reported in the literature in individuals affected with ATPAF2-related conditions. ClinVar contains an entry for this variant (Variation ID: 1960049). Invitae Evidence Modeling of protein sequence and biophysical properties (such as structural, functional, and spatial information, amino acid conservation, physicochemical variation, residue mobility, and thermodynamic stability) indicates that this missense variant is expected to disrupt ATPAF2 protein function with a positive predictive value of 80%. In summary, the available evidence is currently insufficient to determine the role of this variant in disease. Therefore, it has been classified as a Variant of Uncertain Significance.

Ambry Genetics
Classification: Uncertain significance. Last evaluated: 2025-06-16. Review status: criteria provided, single submitter. Criteria: Ambry Variant Classification Scheme 2023. Collection method: clinical testing. Allele origin: germline.

NM_145691.4(ATPAF2):c.317T>C (p.Met106Thr)

Gene: ATPAF2 (ATP synthase mitochondrial F1 complex assembly factor 2; minus strand). Cytogenetic location: 17p11.2.
Variant type: single nucleotide variant.
Coding change: c.317T>C on transcript NM_145691.4 (MANE Select); coding-DNA position 317, T replaced by C.
Protein change: p.Met106Thr; replaces methionine 106 with threonine.
Molecular consequence: missense variant.
Genome position (GRCh38, 1-based): chr17:18,028,239, A>G on the plus strand (T>C on the coding strand, the complement: ATPAF2 is on the minus strand). VCF-style: chr17-18028239-A-G. GRCh37 (hg19) VCF-style: chr17-17931553-A-G.
Other names: c.317T>C (NM_145691.3); short protein forms M106T.
Identifiers: ClinVar variation 1960049 (VCV001960049.6), dbSNP rs1261678344, ClinGen allele CA398578262.